The following is an entry in ClinVar:

NM_004360.5(CDH1):c.854C>G (p.Thr285Arg)

Gene: CDH1 (cadherin 1; plus strand). Cytogenetic location: 16q22.1.
Variant type: single nucleotide variant.
Coding change: c.854C>G on transcript NM_004360.5 (MANE Select); coding-DNA position 854, C replaced by G.
Protein change: p.Thr285Arg; replaces threonine 285 with arginine.
Molecular consequence: missense variant. On other transcripts: 5 prime UTR variant (2).
Genome position (GRCh38, 1-based): chr16:68,811,705, C>G. VCF-style: chr16-68811705-C-G. GRCh37 (hg19) VCF-style: chr16-68845608-C-G.
Other names: c.854C>G, p.Thr285Arg (NM_001317184.2); c.-762C>G (NM_001317185.2); c.-966C>G (NM_001317186.2); short protein forms T285R.
Identifiers: ClinVar variation 1763808 (VCV001763808.3), dbSNP rs587781634, ClinGen allele CA396459581.

ClinVar aggregate classification (germline): Uncertain significance (1 of 4 stars; one submission).

Conditions:
Hereditary cancer-predisposing syndrome. Also called: Neoplastic Syndromes, Hereditary; Tumor predisposition; Hereditary Cancer Syndrome; Hereditary neoplastic syndrome. Identifiers: Orphanet 140162, MedGen C0027672, MeSH D009386, MONDO:0015356.

Submission:

Ambry Genetics
Classification: Uncertain significance for Hereditary cancer-predisposing syndrome. Last evaluated: 2025-04-17. Review status: criteria provided, single submitter. Criteria: Ambry Variant Classification Scheme 2023. Collection method: clinical testing. Allele origin: germline.
Comment: The p.T285R variant (also known as c.854C>G), located in coding exon 7 of the CDH1 gene, results from a C to G substitution at nucleotide position 854. The threonine at codon 285 is replaced by arginine, an amino acid with similar properties. This amino acid position is not well conserved in available vertebrate species. In addition, this alteration is predicted to be tolerated by in silico analysis. Based on the available evidence, the clinical significance of this variant remains unclear.